The following is an entry in ClinVar:

NM_032638.5(GATA2):c.1031_1087dup (p.Arg362_Asn363insArgAlaGlyThrCysCysAlaAsnCysGlnThrThrThrThrThrLeuTrpArgArg)

Gene: GATA2 (GATA binding protein 2; minus strand). Cytogenetic location: 3q21.3.
Variant type: Duplication.
Coding change: c.1031_1087dup on transcript NM_032638.5 (MANE Select); coding-DNA positions 1031 to 1087, 57 bases duplicated.
Protein change: p.Arg362_Asn363insArgAlaGlyThrCysCysAlaAsnCysGlnThrThrThrThrThrLeuTrpArgArg.
Molecular consequence: inframe insertion. On other transcripts: splice acceptor variant (1).
Genome position (GRCh38, 1-based): chr3:128,481,875-128,481,931, 57 bases duplicated. GRCh37 (hg19): chr3:128,200,721-128,200,777.
Other names: c.1031_1087dup, p.Arg362_Asn363insArgAlaGlyThrCysCysAlaAsnCysGlnThrThrThrThrThrLeuTrpArgArg (NM_001145661.2); c.1018-29_1045dup (NM_001145662.1).
Identifiers: ClinVar variation 2011604 (VCV002011604.4), dbSNP rs2472920911, ClinGen allele CA2580068710.

ClinVar aggregate classification (germline): Uncertain significance (1 of 4 stars; one submission).

Conditions:
Deafness-lymphedema-leukemia syndrome. Also called: Emberger syndrome; Lymphedema, primary, with myelodysplasia. Identifiers: Orphanet 3226, MedGen C3279664, MONDO:0013540, OMIM 614038.
Monocytopenia with susceptibility to infections. Also called: MONOCYTOPENIA AND MYCOBACTERIAL INFECTION SYNDROME; MONOCYTOPENIA WITH SUSCEPTIBILITY TO MYCOBACTERIAL, FUNGAL, AND PAPILLOMAVIRUS INFECTIONS AND MYELODYSPLASIA; COMBINED IMMUNODEFICIENCY WITH SUSCEPTIBILITY TO MYCOBACTERIAL, VIRAL, AND FUNGAL INFECTIONS; Dendritic cell, monocyte, B lymphocyte, and natural killer lymphocyte deficiency; IMMUNODEFICIENCY 21; GATA2 DEFICIENCY. Identifiers: Orphanet 228423, MedGen C3280030, MONDO:0013607, OMIM 614172.

Submission:

Labcorp Genetics (formerly Invitae), Labcorp
Classification: Uncertain significance for Monocytopenia with susceptibility to infections; Deafness-lymphedema-leukemia syndrome. Last evaluated: 2022-06-27. Review status: criteria provided, single submitter. Criteria: Invitae Variant Classification Sherloc (09022015). Collection method: clinical testing. Allele origin: germline.
Comment: In summary, the available evidence is currently insufficient to determine the role of this variant in disease. Therefore, it has been classified as a Variant of Uncertain Significance. Experimental studies and prediction algorithms are not available or were not evaluated, and the functional significance of this variant is currently unknown. This variant has not been reported in the literature in individuals affected with GATA2-related conditions. This variant is not present in population databases (gnomAD no frequency). This variant, c.1031_1087dup, results in the insertion of 19 amino acid(s) of the GATA2 protein (p.Arg344_Arg362dup), but otherwise preserves the integrity of the reading frame.